The following is an entry in ClinVar:

NM_015267.4(CUX2):c.2377C>A (p.Arg793Ser)

Gene: CUX2 (cut like homeobox 2; plus strand). Cytogenetic location: 12q24.12.
Variant type: single nucleotide variant.
Coding change: c.2377C>A on transcript NM_015267.4 (MANE Select); coding-DNA position 2377, C replaced by A.
Protein change: p.Arg793Ser; replaces arginine 793 with serine.
Molecular consequence: missense variant.
Genome position (GRCh38, 1-based): chr12:111,320,386, C>A. VCF-style: chr12-111320386-C-A. GRCh37 (hg19) VCF-style: chr12-111758190-C-A.
Other names: c.2191C>A, p.Arg731Ser (NM_001370598.1); short protein forms R731S, R793S.
Identifiers: ClinVar variation 2506020 (VCV002506020.1), dbSNP rs773164638, ClinGen allele CA386712965.

ClinVar aggregate classification (germline): Uncertain significance (1 of 4 stars; one submission).

gnomAD v4.1: 1 of 1,598,012 alleles (0.000063%); highest among the groups gnomAD compares: Admixed American, 0.0017%; no homozygotes.

Submission:

Women's Health and Genetics/Laboratory Corporation of America, LabCorp
Classification: Uncertain significance. Last evaluated: 2023-05-16. Review status: criteria provided, single submitter. Criteria: LabCorp Variant Classification Summary - May 2015. Collection method: clinical testing. Allele origin: germline.
Comment: Variant summary: CUX2 c.2377C>A (p.Arg793Ser) results in a non-conservative amino acid change in the encoded protein sequence. Three of five in-silico tools predict a damaging effect of the variant on protein function. The variant allele was found at a frequency of 4.4e-06 in 227070 control chromosomes. The available data on variant occurrences in the general population are insufficient to allow any conclusion about variant significance. To our knowledge, no occurrence of c.2377C>A in individuals affected with Early Infantile Epileptic Encephalopathy, Autosomal Dominant and no experimental evidence demonstrating its impact on protein function have been reported. No clinical diagnostic laboratories have submitted clinical-significance assessments for this variant to ClinVar after 2014. Based on the evidence outlined above, the variant was classified as uncertain significance.